The following is an entry in ClinVar:

ClinVar aggregate classification (germline): Conflicting classifications of pathogenicity. Review status: criteria provided, conflicting classifications (1 of 4 stars). 3 submissions from 3 submitters: Uncertain significance (2); Likely benign (1). Last evaluated 2025-10-06.

Conditions:
Early-infantile DEE. Also called: Ohtahara syndrome; Early infantile epileptic encephalopathy; Early infantile epileptic encephalopathy with suppression bursts. Identifiers: Orphanet 1934, MedGen C0393706, MONDO:0800491.
SCN8A-related disorder.
Inborn genetic diseases. Identifiers: MedGen C0950123, MeSH D030342.

Allele frequency attached by ClinVar (database versions not stated): ExAC 0.00001; gnomAD 0.00002 and 0.00003; gnomAD exomes 0.00002; TOPMed 0.00002.
gnomAD v4.1: 28 of 1,607,634 alleles (0.0017%); highest among the groups gnomAD compares: Admixed American, 0.017%; no homozygotes.

Submissions (3):

Labcorp Genetics (formerly Invitae), Labcorp
Classification: Likely benign for Early-infantile DEE. Last evaluated: 2025-10-06. Review status: criteria provided, single submitter. Criteria: Invitae Variant Classification Sherloc (09022015). Collection method: clinical testing. Allele origin: germline.

PreventionGenetics, part of Exact Sciences
Classification: Uncertain significance for SCN8A-related condition. Last evaluated: 2022-12-27. Review status: criteria provided, single submitter. Criteria: ACMG Guidelines, 2015. Collection method: clinical testing. Allele origin: germline.
Comment: The SCN8A c.1475G>A variant is predicted to result in the amino acid substitution p.Arg492His. This variant was reported in an individual with an undefined neurodevelopmental disorder, however no additional information was provided to support causation (Wang et al. 2020. PubMed ID: 33004838, supp data 5). This variant is reported in 0.010% of alleles in individuals of Ashkenazi Jewish descent in gnomAD. At this time, the clinical significance of this variant is uncertain due to the absence of conclusive functional and genetic evidence.

Ambry Genetics
Classification: Uncertain significance for Inborn genetic diseases. Last evaluated: 2021-09-28. Review status: criteria provided, single submitter. Criteria: Ambry Variant Classification Scheme 2023. Collection method: clinical testing. Allele origin: germline.

NM_001330260.2(SCN8A):c.1475G>A (p.Arg492His)

Gene: SCN8A (sodium voltage-gated channel alpha subunit 8; plus strand). Cytogenetic location: 12q13.13.
Variant type: single nucleotide variant.
Coding change: c.1475G>A on transcript NM_001330260.2 (MANE Select); coding-DNA position 1475, G replaced by A.
Protein change: p.Arg492His; replaces arginine 492 with histidine.
Molecular consequence: missense variant.
Genome position (GRCh38, 1-based): chr12:51,706,555, G>A. VCF-style: chr12-51706555-G-A. GRCh37 (hg19) VCF-style: chr12-52100339-G-A.
Other names: c.1475G>A, p.Arg492His (NM_001177984.3, NM_001369788.1, NM_014191.4); c.1475G>A (NM_014191.2); short protein forms R492H.
Identifiers: ClinVar variation 665963 (VCV000665963.13), dbSNP rs750170064, ClinGen allele CA6571268.
Genomic context (GRCh38, chr12:51,706,555, plus strand): 5'-GCTCCCCTCGGAGCTCTTCTGAAATCTCTAAACTCAGCTCAAAGAGTGCAAAGGAAAGAC[G>A]TAACAGGAGAAAGAAGAGGAAGCAAAAGGAACTCTCTGAAGGAGAGGAGAAAGGGGATCC-3'
Protein context (NP_001317189.1, residues 482-502): KLSSKSAKER[Arg492His]NRRKKRKQKE